The following is an entry in ClinVar:

NM_006231.4(POLE):c.723T>A (p.Ala241=)

Gene: POLE (DNA polymerase epsilon, catalytic subunit; minus strand). Cytogenetic location: 12q24.33.
Variant type: single nucleotide variant.
Coding change: c.723T>A on transcript NM_006231.4 (MANE Select); coding-DNA position 723, T replaced by A.
Protein change: p.Ala241=; no amino-acid change (alanine 241 retained).
Molecular consequence: synonymous variant.
Genome position (GRCh38, 1-based): chr12:132,677,441, A>T on the plus strand (T>A on the coding strand, the complement: POLE is on the minus strand). VCF-style: chr12-132677441-A-T. GRCh37 (hg19) VCF-style: chr12-133254027-A-T.
Identifiers: ClinVar variation 473824 (VCV000473824.12), dbSNP rs144422646, ClinGen allele CA246299973.

ClinVar aggregate classification (germline): Likely benign. Review status: criteria provided, multiple submitters, no conflicts (2 of 4 stars). 3 submissions from 3 submitters: Likely benign (3). Last evaluated 2025-10-18.

Conditions:
Hereditary cancer-predisposing syndrome. Also called: Neoplastic Syndromes, Hereditary; Tumor predisposition; Hereditary Cancer Syndrome; Hereditary neoplastic syndrome. Identifiers: Orphanet 140162, MedGen C0027672, MeSH D009386, MONDO:0015356.

Allele frequency attached by ClinVar (database versions not stated): gnomAD exomes below 0.00001; TOPMed below 0.00001; ESP Exome Variant Server 0.00008.

Submissions (3):

Labcorp Genetics (formerly Invitae), Labcorp
Classification: Likely benign. Last evaluated: 2025-10-18. Review status: criteria provided, single submitter. Criteria: Invitae Variant Classification Sherloc (09022015). Collection method: clinical testing. Allele origin: germline.

Ambry Genetics
Classification: Likely benign for Hereditary cancer-predisposing syndrome. Last evaluated: 2024-03-15. Review status: criteria provided, single submitter. Criteria: Ambry Variant Classification Scheme 2023. Collection method: clinical testing. Allele origin: germline.

GeneDx
Classification: Likely benign. Last evaluated: 2018-05-14. Review status: criteria provided, single submitter. Criteria: GeneDx Variant Classification (06012015). Collection method: clinical testing. Allele origin: germline. Affected: yes.
Comment: This variant is considered likely benign or benign based on one or more of the following criteria: it is a conservative change, it occurs at a poorly conserved position in the protein, it is predicted to be benign by multiple in silico algorithms, and/or has population frequency not consistent with disease.